The following is an entry in ClinVar:

NM_144997.7(FLCN):c.107_118del (p.Glu36_Pro39del)

Gene: FLCN (folliculin; minus strand). Cytogenetic location: 17p11.2.
Variant type: Deletion.
Coding change: c.107_118del on transcript NM_144997.7 (MANE Select); coding-DNA positions 107 to 118, 12 bases deleted (AGGACAGTCCTG).
Protein change: p.Glu36_Pro39del.
Molecular consequence: inframe indel (on NM_144997.5).
Genome position (GRCh38, 1-based): chr17:17,228,020-17,228,031, CAGGACTGTCCT deleted on the plus strand (AGGACAGTCCTG on the coding strand, the reverse complement: FLCN is on the minus strand); deleting any 12 consecutive bases within chr17:17,228,020-17,228,033 gives the same sequence; the c. name uses the placement nearest the transcript's 3' end. VCF-style (leftmost placement, unchanged base first): chr17-17228019-CCAGGACTGTCCT-C. GRCh37 (hg19) VCF-style: chr17-17131333-CCAGGACTGTCCT-C.
Other names: c.107_118del, p.Glu36_Pro39del (NM_001353229.2, NM_001353230.2, NM_001353231.2 and 1 more transcripts); c.107_118del12 (NM_144997.5).
Identifiers: ClinVar variation 3515644 (VCV003515644.1).

ClinVar aggregate classification (germline): Uncertain significance (1 of 4 stars; one submission).

Conditions:
Hereditary cancer-predisposing syndrome. Also called: Tumor predisposition; Neoplastic Syndromes, Hereditary; Hereditary Cancer Syndrome; Hereditary neoplastic syndrome. Identifiers: Orphanet 140162, MedGen C0027672, MeSH D009386, MONDO:0015356.

Submission:

Ambry Genetics
Classification: Uncertain significance for Hereditary cancer-predisposing syndrome. Last evaluated: 2024-09-18. Review status: criteria provided, single submitter. Criteria: Ambry Variant Classification Scheme 2023. Collection method: clinical testing. Allele origin: germline.
Comment: The c.107_118del12 variant (also known as p.E36_P39del) is located in coding exon 1 of the FLCN gene. This variant results from an in-frame deletion of 12 nucleotides at positions 107 to 118. This results in the in-frame deletion of 4 amino acids (EDSP) at codons 36 to 39. This amino acid region is generally well conserved in available vertebrate species. In addition, the in silico prediction for this alteration is inconclusive (Choi Y et al. PLoS ONE. 2012; 7(10):e46688). Based on the available evidence, the clinical significance of this variant remains unclear.